The following is an entry in ClinVar:

ClinVar aggregate classification (germline): Pathogenic (1 of 4 stars; one submission).

Conditions:
Temtamy syndrome (TEMTYS). Also called: MENTAL RETARDATION WITH OR WITHOUT CRANIOFACIAL DYSMORPHISM, OCULAR COLOBOMA, OR ABNORMAL CORPUS CALLOSUM. Identifiers: Orphanet 1777, MedGen C1857512, MONDO:0009033, OMIM 218340.

Submission:

Foundation for Research in Genetics and Endocrinology, FRIGE's Institute of Human Genetics
Classification: Pathogenic for Temtamy syndrome. Last evaluated: 2021-06-25. Review status: criteria provided, single submitter. Criteria: ACMG Guidelines, 2015. Collection method: clinical testing. Allele origin: germline. Inheritance: Autosomal recessive inheritance. Affected: yes. Observed: 1 homozygote.
Comment: A homozygous 2 bp deletion in intron 1-exon 2 junction of the C12orf57 gene resulting in a frameshift and premature truncation of the protein 24 amino acid downstream of codon 18 was detected. The variant has not been reported in 1000 genomes and gnomad database. The in silico prediction of the variant are possibly damaging by MutationTaster2. The reference codon is conserved across species. In summary, the variant meets our criteria to be classified as pathogenic.

NM_138425.4(C12orf57):c.53_54del

Gene: C12orf57 (chromosome 12 open reading frame 57; plus strand). Cytogenetic location: 12p13.31.
Variant type: Deletion.
Coding change: c.53_54del on transcript NM_138425.4 (MANE Select); coding-DNA positions 53 to 54, 2 bases deleted (TG; older notation c.53_54delTG).
Molecular consequence: splice acceptor variant. On other transcripts: 5 prime UTR variant (1), non-coding transcript variant (1).
Genome position (GRCh38, 1-based): chr12:6,944,476-6,944,477, TG deleted; deleting any 2 consecutive bases within chr12:6,944,475-6,944,477 gives the same sequence; the c. name uses the placement nearest the transcript's 3' end. VCF-style (leftmost placement, unchanged base first): chr12-6944474-AGT-A. GRCh37 (hg19) VCF-style: chr12-7053637-AGT-A.
Other names: p.Val18GlyfsTer24; c.-53_-52del (NM_001301838.2).
Identifiers: ClinVar variation 1244254 (VCV001244254.3), dbSNP rs782335776, ClinGen allele CA6421244.